The following is an entry in ClinVar:

ClinVar aggregate classification (germline): Uncertain significance (1 of 4 stars; one submission).

Conditions:
Early-infantile DEE. Also called: Early infantile epileptic encephalopathy with suppression bursts; Early infantile epileptic encephalopathy; Ohtahara syndrome. Identifiers: Orphanet 1934, MedGen C0393706, MONDO:0800491.

Submission:

Labcorp Genetics (formerly Invitae), Labcorp
Classification: Uncertain significance for Early-infantile DEE. Last evaluated: 2020-01-27. Review status: criteria provided, single submitter. Criteria: Invitae Variant Classification Sherloc (09022015). Collection method: clinical testing. Allele origin: germline.
Comment: Algorithms developed to predict the effect of missense changes on protein structure and function (SIFT, PolyPhen-2, Align-GVGD) all suggest that this variant is likely to be tolerated, but these predictions have not been confirmed by published functional studies and their clinical significance is uncertain. In summary, the available evidence is currently insufficient to determine the role of this variant in disease. Therefore, it has been classified as a Variant of Uncertain Significance. This variant is not present in population databases (ExAC no frequency). This sequence change replaces alanine with serine at codon 31 of the ARHGEF15 protein (p.Ala31Ser). The alanine residue is weakly conserved and there is a moderate physicochemical difference between alanine and serine. This variant has not been reported in the literature in individuals with ARHGEF15-related disease.

NM_173728.4(ARHGEF15):c.91G>T (p.Ala31Ser)

Gene: ARHGEF15 (Rho guanine nucleotide exchange factor 15; plus strand). Cytogenetic location: 17p13.1.
Variant type: single nucleotide variant.
Coding change: c.91G>T on transcript NM_173728.4 (MANE Select); coding-DNA position 91, G replaced by T.
Protein change: p.Ala31Ser; replaces alanine 31 with serine.
Molecular consequence: missense variant.
Genome position (GRCh38, 1-based): chr17:8,312,130, G>T. VCF-style: chr17-8312130-G-T. GRCh37 (hg19) VCF-style: chr17-8215448-G-T.
Other names: c.91G>T, p.Ala31Ser (NM_025014.2); short protein forms A31S.
Identifiers: ClinVar variation 580808 (VCV000580808.9), dbSNP rs1567673612, ClinGen allele CA398013360.